The following is an entry in ClinVar:

ClinVar aggregate classification (germline): Benign. Review status: criteria provided, single submitter (1 of 4 stars). 2 submissions from 2 submitters: Benign (1). 1 of the submissions does not count toward it. Last evaluated 2026-01-09.

Conditions:
JMJD1C-related disorder. Also called: JMJD1C-related condition.
Early Myoclonic Encephalopathy. Identifiers: MedGen C0270855.

Submissions (2):

Labcorp Genetics (formerly Invitae), Labcorp
Classification: Benign for Early Myoclonic Encephalopathy. Last evaluated: 2026-01-09. Review status: criteria provided, single submitter. Criteria: Invitae Variant Classification Sherloc (09022015). Collection method: clinical testing. Allele origin: germline.

PreventionGenetics, part of Exact Sciences
Classification: Likely benign for JMJD1C-related condition. Last evaluated: 2019-06-12. Review status: no assertion criteria provided. Collection method: clinical testing. Allele origin: germline. Not counted in ClinVar's aggregate classification.
Comment: This variant is classified as likely benign based on ACMG/AMP sequence variant interpretation guidelines (Richards et al. 2015 PMID: 25741868, with internal and published modifications).

NM_032776.3(JMJD1C):c.334-9del

Gene: JMJD1C (jumonji domain containing 1C; minus strand). Cytogenetic location: 10q21.3.
Variant type: Deletion.
Coding change: c.334-9del on transcript NM_032776.3 (MANE Select); 9 bases into the intron before coding-DNA position 334, one base deleted (T; older notation c.334-9delT).
Molecular consequence: intron variant.
Genome position (GRCh38, 1-based): chr10:63,264,773, A deleted on the plus strand (T on the coding strand, the reverse complement: JMJD1C is on the minus strand); the first of 10 consecutive A bases (chr10:63,264,773-63,264,782); deleting any one gives the same sequence. VCF-style (leftmost placement, unchanged base first): chr10-63264772-GA-G. GRCh37 (hg19) VCF-style: chr10-65024532-GA-G.
Other names: c.-218-9del (NM_001322258.2, NM_001322254.2); c.-213-9del (NM_001318154.2, NM_001282948.2); c.334-44790del (NM_001322252.2); c.-535-9del (NM_001318153.2); c.334-9delT (NM_032776.2).
Identifiers: ClinVar variation 1170086 (VCV001170086.11), dbSNP rs770502308, ClinGen allele CA5519056.